The following is an entry in ClinVar:

NM_000051.4(ATM):c.3113T>G (p.Val1038Gly)

Gene: ATM (ATM serine/threonine kinase; plus strand). Cytogenetic location: 11q22.3.
Variant type: single nucleotide variant.
Coding change: c.3113T>G on transcript NM_000051.4 (MANE Select); coding-DNA position 3113, T replaced by G.
Protein change: p.Val1038Gly; replaces valine 1038 with glycine.
Molecular consequence: missense variant.
Genome position (GRCh38, 1-based): chr11:108,272,567, T>G. VCF-style: chr11-108272567-T-G. GRCh37 (hg19) VCF-style: chr11-108143294-T-G.
Other names: c.3113T>G, p.Val1038Gly (NM_001351834.2); short protein forms V1038G.
Identifiers: ClinVar variation 2761439 (VCV002761439.3), dbSNP rs1555085827, ClinGen allele CA382515175.

ClinVar aggregate classification (germline): Uncertain significance (1 of 4 stars; one submission).

Conditions:
Ataxia-telangiectasia syndrome (AT). Also called: LOUIS-BAR SYNDROME; AT, COMPLEMENTATION GROUP C; ATAXIA-TELANGIECTASIA, COMPLEMENTATION GROUP A; ATAXIA-TELANGIECTASIA, FRESNO VARIANT; Ataxia-telangiectasia; Cerebello-oculocutaneous telangiectasia. Identifiers: Orphanet 100, MedGen C0004135, MONDO:0008840, OMIM 208900.

Submission:

Labcorp Genetics (formerly Invitae), Labcorp
Classification: Uncertain significance for Ataxia-telangiectasia syndrome. Last evaluated: 2023-09-18. Review status: criteria provided, single submitter. Criteria: Invitae Variant Classification Sherloc (09022015). Collection method: clinical testing. Allele origin: germline.
Comment: In summary, the available evidence is currently insufficient to determine the role of this variant in disease. Therefore, it has been classified as a Variant of Uncertain Significance. An algorithm developed to predict the effect of missense changes on protein structure and function (PolyPhen-2) suggests that this variant is likely to be disruptive. This variant is not present in population databases (gnomAD no frequency). This sequence change replaces valine, which is neutral and non-polar, with glycine, which is neutral and non-polar, at codon 1038 of the ATM protein (p.Val1038Gly). This variant has not been reported in the literature in individuals affected with ATM-related conditions.